The following is an entry in ClinVar:

ClinVar aggregate classification (germline): Likely benign. Review status: criteria provided, multiple submitters, no conflicts (2 of 4 stars). 2 submissions from 2 submitters: Likely benign (2). Last evaluated 2026-01-21.

Allele frequency attached by ClinVar (database versions not stated): ExAC 0.00003; gnomAD exomes 0.00003 and 0.00004; gnomAD 0.00004; TOPMed 0.00007.
gnomAD v4.1: 48 of 1,614,022 alleles (0.003%); highest among the groups gnomAD compares: Middle Eastern, 0.016%; no homozygotes.

Submissions (2):

Labcorp Genetics (formerly Invitae), Labcorp
Classification: Likely benign. Last evaluated: 2026-01-21. Review status: criteria provided, single submitter. Criteria: Invitae Variant Classification Sherloc (09022015). Collection method: clinical testing. Allele origin: germline.

CeGaT Center for Human Genetics Tuebingen
Classification: Likely benign. Last evaluated: 2025-07-01. Review status: criteria provided, single submitter. Criteria: CeGaT Center For Human Genetics Tuebingen Variant Classification Criteria Version 2. Collection method: clinical testing. Allele origin: germline. Affected: yes. Observed: 2 variant alleles.
Comment: RUSC2: BP4, BP7

NM_014806.5(RUSC2):c.3174C>T (p.Asp1058=)

Gene: RUSC2 (RUN and SH3 domain containing 2; plus strand). Cytogenetic location: 9p13.3.
Variant type: single nucleotide variant.
Coding change: c.3174C>T on transcript NM_014806.5 (MANE Select); coding-DNA position 3174, C replaced by T.
Protein change: p.Asp1058=; no amino-acid change (aspartic acid 1058 retained).
Molecular consequence: synonymous variant. On other transcripts: non-coding transcript variant (1).
Genome position (GRCh38, 1-based): chr9:35,558,310, C>T. VCF-style: chr9-35558310-C-T. GRCh37 (hg19) VCF-style: chr9-35558307-C-T.
Other names: c.3174C>T, p.Asp1058= (NM_001135999.2); c.540C>T, p.Asp180= (NM_001330740.2).
Identifiers: ClinVar variation 1555339 (VCV001555339.21), dbSNP rs756520066, ClinGen allele CA5044072.